The following is an entry in ClinVar:

NM_006922.4(SCN3A):c.3325G>T (p.Glu1109Ter)

Gene: SCN3A (sodium voltage-gated channel alpha subunit 3; minus strand). Cytogenetic location: 2q24.3.
Variant type: single nucleotide variant.
Coding change: c.3325G>T on transcript NM_006922.4 (MANE Select); coding-DNA position 3325, G replaced by T.
Protein change: p.Glu1109Ter; replaces glutamic acid 1109 with a stop codon.
Molecular consequence: nonsense.
Genome position (GRCh38, 1-based): chr2:165,127,699, C>A on the plus strand (G>T on the coding strand, the complement: SCN3A is on the minus strand). VCF-style: chr2-165127699-C-A. GRCh37 (hg19) VCF-style: chr2-165984209-C-A.
Other names: c.3178G>T, p.Glu1060Ter (NM_001081676.2, NM_001081677.2); short protein forms E1109*, E1060*.
Identifiers: ClinVar variation 2135360 (VCV002135360.4), dbSNP rs1553521965, ClinGen allele CA349040276.

ClinVar aggregate classification (germline): Uncertain significance (1 of 4 stars; one submission).

Submission:

Labcorp Genetics (formerly Invitae), Labcorp
Classification: Uncertain significance. Last evaluated: 2022-05-10. Review status: criteria provided, single submitter. Criteria: Invitae Variant Classification Sherloc (09022015). Collection method: clinical testing. Allele origin: germline.
Comment: In summary, the available evidence is currently insufficient to determine the role of this variant in disease. Therefore, it has been classified as a Variant of Uncertain Significance. This variant has not been reported in the literature in individuals affected with SCN3A-related conditions. This variant is not present in population databases (gnomAD no frequency). This sequence change creates a premature translational stop signal (p.Glu1109*) in the SCN3A gene. It is expected to result in an absent or disrupted protein product. However, the current clinical and genetic evidence is not sufficient to establish whether loss-of-function variants in SCN3A cause disease.